The following is an entry in ClinVar:

ClinVar aggregate classification (germline): Uncertain significance (1 of 4 stars; one submission).

Conditions:
YARS1-related disorder. Also called: YARS1-related condition.

Submission:

PreventionGenetics, part of Exact Sciences
Classification: Uncertain significance for YARS1-related condition. Last evaluated: 2026-07-01. Review status: criteria provided, single submitter. Criteria: ACMG Guidelines, 2015. Collection method: clinical testing. Allele origin: germline.
Comment: The YARS1 c.1083G>T variant is predicted to result in the amino acid substitution p.Glu361Asp. To our knowledge, this variant has not been reported in the literature or in a large population database (gnomAD), indicating this variant is rare. At this time, the clinical significance of this variant is uncertain due to the absence of conclusive functional and genetic evidence.

NM_003680.4(YARS1):c.1083G>T (p.Glu361Asp)

Gene: YARS1 (tyrosyl-tRNA synthetase 1; minus strand). Cytogenetic location: 1p35.1.
Variant type: single nucleotide variant.
Coding change: c.1083G>T on transcript NM_003680.4 (MANE Select); coding-DNA position 1083, G replaced by T.
Protein change: p.Glu361Asp; replaces glutamic acid 361 with aspartic acid.
Molecular consequence: missense variant.
Genome position (GRCh38, 1-based): chr1:32,781,105, C>A on the plus strand (G>T on the coding strand, the complement: YARS1 is on the minus strand). VCF-style: chr1-32781105-C-A. GRCh37 (hg19) VCF-style: chr1-33246706-C-A.
Other names: short protein forms E361D.
Identifiers: ClinVar variation 4994401 (VCV004994401.1).